The following is an entry in ClinVar:

NM_001367624.2(ZNF469):c.2717C>T (p.Pro906Leu)

Gene: ZNF469 (zinc finger protein 469; plus strand). Cytogenetic location: 16q24.2.
Variant type: single nucleotide variant.
Coding change: c.2717C>T on transcript NM_001367624.2 (MANE Select); coding-DNA position 2717, C replaced by T.
Protein change: p.Pro906Leu; replaces proline 906 with leucine.
Molecular consequence: missense variant.
Genome position (GRCh38, 1-based): chr16:88,430,187, C>T. VCF-style: chr16-88430187-C-T. GRCh37 (hg19) VCF-style: chr16-88496595-C-T.
Other names: NM_001127464.2:c.2717C>T; NM_001127464.1:c.2717C>T; p.Pro906Leu; short protein forms P906L.
Identifiers: ClinVar variation 193172 (VCV000193172.70), dbSNP rs77951481, ClinGen allele CA238680.
Genomic context (GRCh38, chr16:88,430,187, plus strand): 5'-AGAGCAAGGCGGGGGTGACTCCAGAGAGCAAAGCTCCGCCCCCGCTCCCAGCAGCCACGC[C>T]GGACCCCCAAACCCCCCGCCCTGGGGACAGGGGCTGCCCAGCCCGAGGCAGGCCCAAAAC-3'
Protein context (NP_001354553.1, residues 896-916): KAPPPLPAAT[Pro906Leu]DPQTPRPGDR

ClinVar aggregate classification (germline): Conflicting classifications of pathogenicity. Review status: criteria provided, conflicting classifications (1 of 4 stars). 11 submissions from 11 submitters: Uncertain significance (1); Benign (5); Likely benign (5). Last evaluated 2026-09-01.

Conditions:
Cardiovascular phenotype. Identifiers: MedGen CN230736.
Ehlers-Danlos syndrome (EDS). Identifiers: Orphanet 98249, MedGen C0013720, MONDO:0020066.
Brittle cornea syndrome 1 (BCS1). Also called: CORNEAL FRAGILITY, KERATOGLOBUS, BLUE SCLERAE, JOINT HYPEREXTENSIBILITY; EDS6B; FRAGILITAS OCULI WITH JOINT HYPEREXTENSIBILITY; DYSGENESIS MESODERMALIS CORNEAE ET SCLERAE; Corneal fragility keratoglobus, blue sclerae AND joint hypermobility. Identifiers: Orphanet 90354, MedGen C0268344, MONDO:0024543, OMIM 229200.

Allele frequency attached by ClinVar (database versions not stated): ExAC 0.00129; 1000 Genomes Project 0.00220; 1000 Genomes Project 30x 0.00297; TOPMed 0.00433; gnomAD 0.00511 and 0.00528.

Submissions (11):

CeGaT Center for Human Genetics Tuebingen
Classification: Likely benign. Last evaluated: 2026-09-01. Review status: criteria provided, single submitter. Criteria: CeGaT Center For Human Genetics Tuebingen Variant Classification Criteria Version 2. Collection method: clinical testing. Allele origin: germline. Affected: yes. Observed: 23 variant alleles.
Comment: ZNF469: BP4, BS2

Labcorp Genetics (formerly Invitae), Labcorp
Classification: Benign. Last evaluated: 2026-02-04. Review status: criteria provided, single submitter. Criteria: Invitae Variant Classification Sherloc (09022015). Collection method: clinical testing. Allele origin: germline.

Women's Health and Genetics/Laboratory Corporation of America, LabCorp
Classification: Benign. Last evaluated: 2024-12-06. Review status: criteria provided, single submitter. Criteria: LabCorp Variant Classification Summary - May 2015. Collection method: clinical testing. Allele origin: germline.
Comment: Variant summary: ZNF469 c.2717C>T (p.Pro906Leu) results in a non-conservative amino acid change in the encoded protein sequence. Two of three in-silico tools predict a damaging effect of the variant on protein function. The variant allele was found at a frequency of 0.007 in 1540912 control chromosomes, predominantly at a frequency of 0.0088 within the Non-Finnish European subpopulation in the gnomAD database (v4.1 dataset), including 48 homozygotes. The observed variant frequency within Non-Finnish European control individuals in the gnomAD database exceeds the estimated maximal expected allele frequency for a pathogenic variant in ZNF469 causing Brittle cornea syndrome 1 phenotype. To our knowledge, no occurrence of c.2717C>T in individuals affected with Brittle cornea syndrome 1 and no experimental evidence demonstrating its impact on protein function have been reported. ClinVar contains an entry for this variant (Variation ID: 193172). Based on the evidence outlined above, the variant was classified as benign.

Blueprint Genetics
Classification: Likely benign. Last evaluated: 2024-11-22. Review status: criteria provided, single submitter. Criteria: ACMG Guidelines, 2015. Collection method: clinical testing. Allele origin: germline.

Mayo Clinic Laboratories, Mayo Clinic
Classification: Benign. Last evaluated: 2023-01-12. Review status: criteria provided, single submitter. Criteria: ACMG Guidelines, 2015. Collection method: clinical testing. Allele origin: germline. Observed: 38 variant alleles.
Comment: BS1, BS2, BP4

Genome Diagnostics Laboratory, The Hospital for Sick Children
Classification: Benign for Ehlers-Danlos syndrome. Last evaluated: 2022-06-22. Review status: criteria provided, single submitter. Criteria: ACMG Guidelines, 2015. Collection method: clinical testing. Allele origin: germline.

Department of Pathology and Laboratory Medicine, Sinai Health System
Classification: Likely benign for Brittle cornea syndrome 1. Last evaluated: 2021-10-19. Review status: criteria provided, single submitter. Criteria: ACMG Guidelines, 2015. Collection method: research. Allele origin: germline.

GeneDx
Classification: Benign. Last evaluated: 2020-03-25. Review status: criteria provided, single submitter. Criteria: GeneDx Variant Classification Process June 2021. Collection method: clinical testing. Allele origin: germline. Affected: yes.

Ambry Genetics
Classification: Likely benign for Cardiovascular phenotype. Last evaluated: 2019-01-11. Review status: criteria provided, single submitter. Criteria: Ambry Variant Classification Scheme 2023. Collection method: clinical testing. Allele origin: germline.

Institute for Genomic Medicine (IGM) Clinical Laboratory, Nationwide Children's Hospital
Classification: Likely benign. Last evaluated: 2017-08-22. Review status: criteria provided, single submitter. Criteria: ACMG Guidelines, 2015. Collection method: clinical testing. Allele origin: germline.
Comment: BS1, BP4; This alteration has an allele frequency that is greater than expected for the associated disease, and is predicted to be tolerated by multiple functional prediction tools.

Eurofins Ntd Llc (ga)
Classification: Uncertain significance. Last evaluated: 2014-12-29. Review status: criteria provided, single submitter. Criteria: EGL Classification Definitions 2015. Collection method: clinical testing. Allele origin: germline. Observed: 1 variant allele, 1 heterozygote.